The following is an entry in ClinVar:

NM_006922.4(SCN3A):c.2402G>A (p.Gly801Glu)

Gene: SCN3A (sodium voltage-gated channel alpha subunit 3; minus strand). Cytogenetic location: 2q24.3.
Variant type: single nucleotide variant.
Coding change: c.2402G>A on transcript NM_006922.4 (MANE Select); coding-DNA position 2402, G replaced by A.
Protein change: p.Gly801Glu; replaces glycine 801 with glutamic acid.
Molecular consequence: missense variant.
Genome position (GRCh38, 1-based): chr2:165,131,407, C>T on the plus strand (G>A on the coding strand, the complement: SCN3A is on the minus strand). VCF-style: chr2-165131407-C-T. GRCh37 (hg19) VCF-style: chr2-165987917-C-T.
Other names: c.2255G>A, p.Gly752Glu (NM_001081676.2, NM_001081677.2); short protein forms G752E, G801E.
Identifiers: ClinVar variation 4086586 (VCV004086586.1).

ClinVar aggregate classification (germline): Uncertain significance (1 of 4 stars; one submission).

gnomAD v4.1: 1 of 1,603,178 alleles (0.000062%); no homozygotes.

Submission:

GeneDx
Classification: Uncertain significance. Last evaluated: 2025-03-17. Review status: criteria provided, single submitter. Criteria: GeneDx Variant Classification Process June 2021. Collection method: clinical testing. Allele origin: germline. Affected: yes.
Comment: Not observed at significant frequency in large population cohorts (gnomAD); In silico analysis supports that this missense variant has a deleterious effect on protein structure/function; Has not been previously published as pathogenic or benign to our knowledge